The following is an entry in ClinVar:

NM_001122955.4(BSCL2):c.1235-4C>T

Genes: HNRNPUL2-BSCL2 (HNRNPUL2-BSCL2 readthrough (NMD candidate); minus strand), BSCL2 (BSCL2 lipid droplet biogenesis associated, seipin; minus strand). Cytogenetic location: 11q12.3.
Variant type: single nucleotide variant.
Coding change: c.1235-4C>T on transcript NM_001122955.4 (MANE Select); 4 bases into the intron before coding-DNA position 1235, C replaced by T.
Molecular consequence: intron variant.
Genome position (GRCh38, 1-based): chr11:62,690,525, G>A on the plus strand (C>T on the coding strand, the complement: BSCL2 is on the minus strand). VCF-style: chr11-62690525-G-A. GRCh37 (hg19) VCF-style: chr11-62457997-G-A.
Other names: c.*37-4C>T (NM_001130702.2); c.1043-4C>T (NM_032667.6); c.1235-4C>T (NM_001386028.1, NM_001122955.3); c.1241-4C>T (NM_001386027.1).
Identifiers: ClinVar variation 1583213 (VCV001583213.9), dbSNP rs775246044, ClinGen allele CA6053269.

ClinVar aggregate classification (germline): Likely benign. Review status: criteria provided, multiple submitters, no conflicts (2 of 4 stars). 2 submissions from 2 submitters: Likely benign (2). Last evaluated 2026-06-23.

Conditions:
BSCL2-related disorder. Also called: BSCL2-related condition; BSCL2-Related Disorders.
Charcot-Marie-Tooth disease type 2. Also called: Charcot-Marie-Tooth type 2. Identifiers: Orphanet 64746, MedGen C0270914, MONDO:0018993.

Allele frequency attached by ClinVar (database versions not stated): gnomAD exomes below 0.00001; gnomAD 0.00001; ExAC 0.00002.
gnomAD v4.1: 1 of 1,614,030 alleles (0.000062%); highest among the groups gnomAD compares: Non-Finnish European, 0.000085%; no homozygotes.

Submissions (2):

PreventionGenetics, part of Exact Sciences
Classification: Likely benign for BSCL2-related condition. Last evaluated: 2026-06-23. Review status: criteria provided, single submitter. Criteria: ACMG Guidelines, 2015. Collection method: clinical testing. Allele origin: germline.
Comment: This variant is classified as likely benign based on ACMG/AMP sequence variant interpretation guidelines (Richards et al. 2015 PMID: 25741868, with internal and published modifications).

Labcorp Genetics (formerly Invitae), Labcorp
Classification: Likely benign for Charcot-Marie-Tooth disease type 2. Last evaluated: 2025-07-09. Review status: criteria provided, single submitter. Criteria: Invitae Variant Classification Sherloc (09022015). Collection method: clinical testing. Allele origin: germline.